The following is an entry in ClinVar:

ClinVar aggregate classification (germline): Likely benign (1 of 4 stars; one submission).

Allele frequency attached by ClinVar (database versions not stated): gnomAD exomes below 0.00001.
gnomAD v4.1: 61 of 1,612,834 alleles (0.0038%); highest among the groups gnomAD compares: Non-Finnish European, 0.0052%; no homozygotes.

Submission:

GeneDx
Classification: Likely benign. Last evaluated: 2014-10-07. Review status: criteria provided, single submitter. Criteria: GeneDx Variant Classification (06012015). Collection method: clinical testing. Allele origin: germline. Affected: yes.
Comment: This variant is considered likely benign or benign based on one or more of the following criteria: it is a conservative change, it occurs at a poorly conserved position in the protein, it is predicted to be benign by multiple in silico algorithms, and/or has population frequency not consistent with disease.

NM_001377299.1(NDUFS2):c.30C>A (p.Phe10Leu)

Genes: NDUFS2 (NADH:ubiquinone oxidoreductase core subunit S2; plus strand), LOC129931761 (ATAC-STARR-seq lymphoblastoid active region 1985; plus strand). Cytogenetic location: 1q23.3.
Variant type: single nucleotide variant.
Coding change: c.30C>A on transcript NM_001377299.1 (MANE Select); coding-DNA position 30, C replaced by A.
Protein change: p.Phe10Leu; replaces phenylalanine 10 with leucine.
Molecular consequence: missense variant. On other transcripts: non-coding transcript variant (1).
Genome position (GRCh38, 1-based): chr1:161,202,415, C>A. VCF-style: chr1-161202415-C-A. GRCh37 (hg19) VCF-style: chr1-161172205-C-A.
Other names: p.F10L:TTC>TTA; c.30C>A, p.Phe10Leu (NM_001377301.1, NM_001377302.1, NM_004550.5 and 3 more transcripts); short protein forms F10L.
Identifiers: ClinVar variation 214788 (VCV000214788.1), dbSNP rs863224104, ClinGen allele CA324984.